The following is an entry in ClinVar:

ClinVar aggregate classification (germline): Uncertain significance (1 of 4 stars; one submission).

Conditions:
Leber congenital amaurosis 6 (LCA6). Identifiers: Orphanet 65, MedGen C1854260, MONDO:0013446, OMIM 613826.
Cone-rod dystrophy 13 (CORD13). Identifiers: Orphanet 1872, MedGen C2750720, MONDO:0011987, OMIM 608194.

Submission:

Labcorp Genetics (formerly Invitae), Labcorp
Classification: Uncertain significance for Leber congenital amaurosis 6; Cone-rod dystrophy 13. Last evaluated: 2025-01-27. Review status: criteria provided, single submitter. Criteria: Invitae Variant Classification Sherloc (09022015). Collection method: clinical testing. Allele origin: germline.
Comment: This sequence change replaces threonine, which is neutral and polar, with isoleucine, which is neutral and non-polar, at codon 858 of the RPGRIP1 protein (p.Thr858Ile). This variant is not present in population databases (gnomAD no frequency). This variant has not been reported in the literature in individuals affected with RPGRIP1-related conditions. ClinVar contains an entry for this variant (Variation ID: 2108823). Invitae Evidence Modeling of protein sequence and biophysical properties (such as structural, functional, and spatial information, amino acid conservation, physicochemical variation, residue mobility, and thermodynamic stability) indicates that this missense variant is expected to disrupt RPGRIP1 protein function with a positive predictive value of 80%. In summary, the available evidence is currently insufficient to determine the role of this variant in disease. Therefore, it has been classified as a Variant of Uncertain Significance.

NM_020366.4(RPGRIP1):c.2573C>T (p.Thr858Ile)

Gene: RPGRIP1 (RPGR interacting protein 1; plus strand). Cytogenetic location: 14q11.2.
Variant type: single nucleotide variant.
Coding change: c.2573C>T on transcript NM_020366.4 (MANE Select); coding-DNA position 2573, C replaced by T.
Protein change: p.Thr858Ile; replaces threonine 858 with isoleucine.
Molecular consequence: missense variant. On other transcripts: intron variant (4).
Genome position (GRCh38, 1-based): chr14:21,326,036, C>T. VCF-style: chr14-21326036-C-T. GRCh37 (hg19) VCF-style: chr14-21794195-C-T.
Other names: c.1499C>T, p.Thr500Ile (NM_001377948.1); c.796+1311C>T (NM_001377949.1); c.689-1587C>T (NM_001377523.1, NM_001377950.1); c.191-1587C>T (NM_001377951.1); short protein forms T500I, T858I.
Identifiers: ClinVar variation 2108823 (VCV002108823.4), dbSNP rs1883063568, ClinGen allele CA388869370.